The following is an entry in ClinVar:

ClinVar aggregate classification (germline): Uncertain significance (1 of 4 stars; one submission).

Submission:

Labcorp Genetics (formerly Invitae), Labcorp
Classification: Uncertain significance. Last evaluated: 2025-07-09. Review status: criteria provided, single submitter. Criteria: Invitae Variant Classification Sherloc (09022015). Collection method: clinical testing. Allele origin: germline.
Comment: This sequence change replaces glycine, which is neutral and non-polar, with arginine, which is basic and polar, at codon 281 of the SLC25A21 protein (p.Gly281Arg). This variant is not present in population databases (gnomAD no frequency). This variant has not been reported in the literature in individuals affected with SLC25A21-related conditions. An algorithm developed to predict the effect of missense changes on protein structure and function (PolyPhen-2) suggests that this variant is likely to be disruptive. In summary, the available evidence is currently insufficient to determine the role of this variant in disease. Therefore, it has been classified as a Variant of Uncertain Significance.

NM_030631.4(SLC25A21):c.841G>C (p.Gly281Arg)

Gene: SLC25A21 (solute carrier family 25 member 21; minus strand). Cytogenetic location: 14q13.3.
Variant type: single nucleotide variant.
Coding change: c.841G>C on transcript NM_030631.4 (MANE Select); coding-DNA position 841, G replaced by C.
Protein change: p.Gly281Arg; replaces glycine 281 with arginine.
Molecular consequence: missense variant.
Genome position (GRCh38, 1-based): chr14:36,680,717, C>G on the plus strand (G>C on the coding strand, the complement: SLC25A21 is on the minus strand). VCF-style: chr14-36680717-C-G. GRCh37 (hg19) VCF-style: chr14-37149922-C-G.
Other names: c.841G>C, p.Gly281Arg (NM_001171170.2); short protein forms G281R.
Identifiers: ClinVar variation 4774983 (VCV004774983.1).